The following is an entry in ClinVar:

ClinVar aggregate classification (germline): Uncertain significance. Review status: criteria provided, multiple submitters, no conflicts (2 of 4 stars). 2 submissions from 2 submitters: Uncertain significance (2). Last evaluated 2025-10-10.

gnomAD v4.1: 1 of 1,481,538 alleles (0.000067%); highest among the groups gnomAD compares: Non-Finnish European, 0.00009%; no homozygotes.

Submissions (2):

Dasa
Classification: Uncertain significance. Last evaluated: 2025-10-10. Review status: criteria provided, single submitter. Criteria: DASA Assertion Criteria. Collection method: clinical testing. Allele origin: germline.
Comment: NM_001127222.2(CACNA1A):c.7243T>C (p.Tyr2415His) is a missense variant that results in the substitution of tyrosine with histidine. This variant is rare in population databases. The currently available literature and clinical evidence are not sufficient to establish a definitive association between this variant and the reported condition. Therefore, this variant is classified as a variant of uncertain significance.

Athena Diagnostics
Classification: Uncertain significance. Last evaluated: 2025-04-21. Review status: criteria provided, single submitter. Criteria: Athena Diagnostics Criteria. Collection method: clinical testing. Allele origin: unknown.
Comment: Available data are insufficient to determine the clinical significance of the variant at this time. This variant has not been reported in large, multi-ethnic general populations. This variant has been seen where an alternate explanation for disease was also identified, suggesting this variant may not cause disease. Polyphen and MutationTaster predict this amino acid change may be benign.

NM_001127222.2(CACNA1A):c.7243T>C (p.Tyr2415His)

Gene: CACNA1A (calcium voltage-gated channel subunit alpha1 A; minus strand). Cytogenetic location: 19p13.13.
Variant type: single nucleotide variant.
Coding change: c.7243T>C on transcript NM_001127222.2 (MANE Select); coding-DNA position 7243, T replaced by C.
Protein change: p.Tyr2415His; replaces tyrosine 2415 with histidine.
Molecular consequence: missense variant. On other transcripts: 3 prime UTR variant (3).
Genome position (GRCh38, 1-based): chr19:13,207,591, A>G on the plus strand (T>C on the coding strand, the complement: CACNA1A is on the minus strand). VCF-style: chr19-13207591-A-G. GRCh37 (hg19) VCF-style: chr19-13318405-A-G.
Other names: c.*455T>C (NM_000068.4, NM_001127221.2, NM_001174080.2); c.7261T>C, p.Tyr2421His (NM_023035.3); short protein forms Y2415H, Y2421H.
Identifiers: ClinVar variation 4682389 (VCV004682389.3).